The following is an entry in ClinVar:

NM_000038.6(APC):c.7926T>C (p.Thr2642=)

Gene: APC (APC regulator of Wnt signaling pathway; plus strand). Cytogenetic location: 5q22.2.
Variant type: single nucleotide variant.
Coding change: c.7926T>C on transcript NM_000038.6 (MANE Select); coding-DNA position 7926, T replaced by C.
Protein change: p.Thr2642=; no amino-acid change (threonine 2642 retained).
Molecular consequence: synonymous variant.
Genome position (GRCh38, 1-based): chr5:112,843,520, T>C. VCF-style: chr5-112843520-T-C. GRCh37 (hg19) VCF-style: chr5-112179217-T-C.
Other names: c.7926T>C, p.Thr2642= (NM_001127510.3, NM_001354895.2); c.7872T>C, p.Thr2624= (NM_001127511.3); c.7980T>C, p.Thr2660= (NM_001354896.2); c.7956T>C, p.Thr2652= (NM_001354897.2); c.7851T>C, p.Thr2617= (NM_001354898.2); c.7842T>C, p.Thr2614= (NM_001354899.2); c.7803T>C, p.Thr2601= (NM_001354900.2); c.7749T>C, p.Thr2583= (NM_001354901.2); and 5 more.
Identifiers: ClinVar variation 1011751 (VCV001011751.10), dbSNP rs932271698, ClinGen allele CA446210962.

ClinVar aggregate classification (germline): Uncertain significance (1 of 4 stars; one submission).

Conditions:
Familial adenomatous polyposis 1 (FAP1). Also called: FAMILIAL ADENOMATOUS POLYPOSIS 1, ATTENUATED; POLYPOSIS, ADENOMATOUS INTESTINAL. Identifiers: MedGen C2713442, MONDO:0021056, OMIM 175100. Disease mechanism: loss of function.

Submission:

Labcorp Genetics (formerly Invitae), Labcorp
Classification: Uncertain significance for Familial adenomatous polyposis 1. Last evaluated: 2014-05-23. Review status: criteria provided, single submitter. Criteria: Invitae Variant Classification Sherloc (09022015). Collection method: clinical testing. Allele origin: germline.
Comment: There is no evidence to indicate that this sequence change is pathogenic. It is possible that this sequence change represents a benign polymorphism in the APC gene, although at this time the evidence is insufficient to prove that conclusively. This sequence change does not change the protein sequence and is not predicted to affect splicing, but this prediction has not been confirmed by functional studies. This sequence change has not been reported in affected patients, and has not been reported as a common polymorphism in the population.